The following is an entry in ClinVar:

NM_177438.3(DICER1):c.4312T>G (p.Tyr1438Asp)

Gene: DICER1 (dicer 1, ribonuclease III; minus strand). Cytogenetic location: 14q32.13.
Variant type: single nucleotide variant.
Coding change: c.4312T>G on transcript NM_177438.3 (MANE Select); coding-DNA position 4312, T replaced by G.
Protein change: p.Tyr1438Asp; replaces tyrosine 1438 with aspartic acid.
Molecular consequence: missense variant.
Genome position (GRCh38, 1-based): chr14:95,096,608, A>C on the plus strand (T>G on the coding strand, the complement: DICER1 is on the minus strand). VCF-style: chr14-95096608-A-C. GRCh37 (hg19) VCF-style: chr14-95562945-A-C.
Other names: c.4312T>G, p.Tyr1438Asp (NM_001195573.1, NM_001271282.3, NM_001291628.2 and 1 more transcripts); short protein forms Y1438D.
Identifiers: ClinVar variation 939902 (VCV000939902.12), dbSNP rs878855264, ClinGen allele CA390869400.

ClinVar aggregate classification (germline): Uncertain significance. Review status: criteria provided, multiple submitters, no conflicts (2 of 4 stars). 2 submissions from 2 submitters: Uncertain significance (2). Last evaluated 2025-05-18.

Conditions:
Euthyroid goiter (MNG1). Also called: Goiter, multinodular 1, with or without Sertoli-Leydig cell tumors; SIMPLE GOITER; GOITER, NONTOXIC, WITH INTRATHYROIDAL CALCIFICATION; MULTINODULAR GOITER, ADOLESCENT. Identifiers: Orphanet 276399, MedGen C0302859, MONDO:0007681, OMIM 138800, HP:0009798.
Rhabdomyosarcoma, embryonal, 2 (RMSE2). Identifiers: MedGen C1867234, MONDO:0859046, OMIM 180295.
Pleuropulmonary blastoma (PPB). Identifiers: Orphanet 64742, MedGen C1266144, MONDO:0011014, OMIM 601200, HP:0100528.
Global developmental delay - lung cysts - overgrowth - Wilms tumor syndrome. Also called: GLOBAL DEVELOPMENTAL DELAY, LUNG CYSTS, OVERGROWTH, AND WILMS TUMOR; GLOW Syndrome. Identifiers: Orphanet 404476, MedGen C4748924, MONDO:0018445, OMIM 618272.
DICER1-related tumor predisposition. Also called: DICER1 syndrome; DICER1-related pleuropulmonary blastoma cancer predisposition syndrome. Identifiers: Orphanet 284343, MedGen C3839822, MONDO:0100216.

Submissions (2):

Labcorp Genetics (formerly Invitae), Labcorp
Classification: Uncertain significance for DICER1-related tumor predisposition. Last evaluated: 2025-05-18. Review status: criteria provided, single submitter. Criteria: Invitae Variant Classification Sherloc (09022015). Collection method: clinical testing. Allele origin: germline.
Comment: This sequence change replaces tyrosine, which is neutral and polar, with aspartic acid, which is acidic and polar, at codon 1438 of the DICER1 protein (p.Tyr1438Asp). This variant is not present in population databases (gnomAD no frequency). This variant has not been reported in the literature in individuals affected with DICER1-related conditions. ClinVar contains an entry for this variant (Variation ID: 939902). Invitae Evidence Modeling of protein sequence and biophysical properties (such as structural, functional, and spatial information, amino acid conservation, physicochemical variation, residue mobility, and thermodynamic stability) indicates that this missense variant is not expected to disrupt DICER1 protein function with a negative predictive value of 95%. In summary, the available evidence is currently insufficient to determine the role of this variant in disease. Therefore, it has been classified as a Variant of Uncertain Significance.

Fulgent Genetics
Classification: Uncertain significance for Euthyroid goiter; Rhabdomyosarcoma, embryonal, 2; Pleuropulmonary blastoma; Global developmental delay - lung cysts - overgrowth - Wilms tumor syndrome. Last evaluated: 2024-01-04. Review status: criteria provided, single submitter. Criteria: ACMG Guidelines, 2015. Collection method: clinical testing. Allele origin: germline.